The following is an entry in ClinVar:

ClinVar aggregate classification (germline): Uncertain significance. Review status: criteria provided, multiple submitters, no conflicts (2 of 4 stars). 2 submissions from 2 submitters: Uncertain significance (2). Last evaluated 2022-12-22.

Conditions:
Autosomal recessive ataxia, Beauce type. Also called: ATAXIA, RECESSIVE, OF BEAUCE; Spinocerebellar ataxia, autosomal recessive 8; SYNE1 Deficiency; SYNE1-Related Autosomal Recessive Cerebellar Ataxia. Identifiers: Orphanet 88644, MedGen C1853116, MONDO:0012549, OMIM 610743.
Emery-Dreifuss muscular dystrophy 4, autosomal dominant (EDMD4). Also called: EMERY-DREIFUSS MUSCULAR DYSTROPHY 4 WITH VARIABLE FEATURES. Identifiers: Orphanet 261, MedGen C2751807, MONDO:0013071, OMIM 612998.

Allele frequency attached by ClinVar (database versions not stated): gnomAD 0.00024.
gnomAD v4.1: 53 of 1,614,078 alleles (0.0033%); highest among the groups gnomAD compares: Admixed American, 0.088%; no homozygotes.

Submissions (2):

Labcorp Genetics (formerly Invitae), Labcorp
Classification: Uncertain significance for Emery-Dreifuss muscular dystrophy 4, autosomal dominant; Autosomal recessive ataxia, Beauce type. Last evaluated: 2022-12-22. Review status: criteria provided, single submitter. Criteria: Invitae Variant Classification Sherloc (09022015). Collection method: clinical testing. Allele origin: germline.
Comment: In summary, the available evidence is currently insufficient to determine the role of this variant in disease. Therefore, it has been classified as a Variant of Uncertain Significance. Algorithms developed to predict the effect of missense changes on protein structure and function are either unavailable or do not agree on the potential impact of this missense change (SIFT: "Deleterious"; PolyPhen-2: "Benign"; Align-GVGD: "Class C65"). This variant has not been reported in the literature in individuals affected with SYNE1-related conditions. This variant is present in population databases (no rsID available, gnomAD 0.05%). This sequence change replaces threonine, which is neutral and polar, with arginine, which is basic and polar, at codon 3952 of the SYNE1 protein (p.Thr3952Arg).

Blueprint Genetics
Classification: Uncertain significance. Last evaluated: 2019-06-13. Review status: criteria provided, single submitter. Criteria: ACMG Guidelines, 2015. Collection method: clinical testing. Allele origin: germline.

NM_182961.4(SYNE1):c.12068C>G (p.Thr4023Arg)

Gene: SYNE1 (spectrin repeat containing nuclear envelope protein 1; minus strand). Cytogenetic location: 6q25.2.
Variant type: single nucleotide variant.
Coding change: c.12068C>G on transcript NM_182961.4 (MANE Select); coding-DNA position 12068, C replaced by G.
Protein change: p.Thr4023Arg; replaces threonine 4023 with arginine.
Molecular consequence: missense variant.
Genome position (GRCh38, 1-based): chr6:152,347,069, G>C on the plus strand (C>G on the coding strand, the complement: SYNE1 is on the minus strand). VCF-style: chr6-152347069-G-C. GRCh37 (hg19) VCF-style: chr6-152668204-G-C.
Other names: c.11855C>G, p.Thr3952Arg (NM_033071.5); short protein forms T3952R, T4023R.
Identifiers: ClinVar variation 2930451 (VCV002930451.2), dbSNP rs1339619934, ClinGen allele CA366113966.